The following is an entry in ClinVar:

NM_014264.5(PLK4):c.37A>T (p.Lys13Ter)

Gene: PLK4 (polo like kinase 4; plus strand). Cytogenetic location: 4q28.1.
Variant type: single nucleotide variant.
Coding change: c.37A>T on transcript NM_014264.5 (MANE Select); coding-DNA position 37, A replaced by T.
Protein change: p.Lys13Ter; replaces lysine 13 with a stop codon.
Molecular consequence: nonsense. On other transcripts: 5 prime UTR variant (1).
Genome position (GRCh38, 1-based): chr4:127,881,837, A>T. VCF-style: chr4-127881837-A-T. GRCh37 (hg19) VCF-style: chr4-128802992-A-T.
Other names: c.37A>T, p.Lys13Ter (NM_001190799.2); c.-87A>T (NM_001190801.2); short protein forms K13*.
Identifiers: ClinVar variation 960158 (VCV000960158.6), dbSNP rs1479590458, ClinGen allele CA358167020.

ClinVar aggregate classification (germline): Pathogenic (1 of 4 stars; one submission).

Allele frequency attached by ClinVar (database versions not stated): gnomAD exomes below 0.00001.
gnomAD v4.1: 3 of 1,587,272 alleles (0.00019%); highest among the groups gnomAD compares: Admixed American, 0.0033%; no homozygotes.

Submission:

Labcorp Genetics (formerly Invitae), Labcorp
Classification: Pathogenic. Last evaluated: 2025-07-20. Review status: criteria provided, single submitter. Criteria: Invitae Variant Classification Sherloc (09022015). Collection method: clinical testing. Allele origin: germline.
Comment: This sequence change creates a premature translational stop signal (p.Lys13*) in the PLK4 gene. It is expected to result in an absent or disrupted protein product. Loss-of-function variants in PLK4 are known to be pathogenic (PMID: 25320347, 30842647). This variant is present in population databases (no rsID available, gnomAD 0.003%). This variant has not been reported in the literature in individuals affected with PLK4-related conditions. ClinVar contains an entry for this variant (Variation ID: 960158). Algorithms developed to predict the effect of sequence changes on RNA splicing suggest that this variant may disrupt the consensus splice site. For these reasons, this variant has been classified as Pathogenic.

Literature cited by the submitters: PubMed 25320347; PubMed 30842647.